The following is an entry in ClinVar:

ClinVar aggregate classification (germline): Uncertain significance. Review status: criteria provided, multiple submitters, no conflicts (2 of 4 stars). 2 submissions from 2 submitters: Uncertain significance (2). Last evaluated 2023-12-21.

Conditions:
Primary ciliary dyskinesia. Also called: Ciliary dyskinesia. Identifiers: Orphanet 244, MedGen C0008780, MONDO:0016575, HP:0012265.

Allele frequency attached by ClinVar (database versions not stated): ESP Exome Variant Server 0.00008; TOPMed 0.00008; gnomAD 0.00012 and 0.00013; gnomAD exomes 0.00013; ExAC 0.00014.
gnomAD v4.1: 344 of 1,614,002 alleles (0.021%); highest among the groups gnomAD compares: Non-Finnish European, 0.028%; 1 homozygote.

Submissions (2):

Ambry Genetics
Classification: Uncertain significance. Last evaluated: 2023-12-21. Review status: criteria provided, single submitter. Criteria: Ambry Variant Classification Scheme 2023. Collection method: clinical testing. Allele origin: germline.

Labcorp Genetics (formerly Invitae), Labcorp
Classification: Uncertain significance for Primary ciliary dyskinesia. Last evaluated: 2023-10-13. Review status: criteria provided, single submitter. Criteria: Invitae Variant Classification Sherloc (09022015). Collection method: clinical testing. Allele origin: germline.
Comment: This sequence change replaces valine, which is neutral and non-polar, with isoleucine, which is neutral and non-polar, at codon 2462 of the DNAH8 protein (p.Val2462Ile). This variant is present in population databases (rs201809379, gnomAD 0.02%). This variant has not been reported in the literature in individuals affected with DNAH8-related conditions. ClinVar contains an entry for this variant (Variation ID: 454592). Experimental studies and prediction algorithms are not available or were not evaluated, and the functional significance of this variant is currently unknown. In summary, the available evidence is currently insufficient to determine the role of this variant in disease. Therefore, it has been classified as a Variant of Uncertain Significance.

NM_001206927.2(DNAH8):c.7384G>A (p.Val2462Ile)

Gene: DNAH8 (dynein axonemal heavy chain 8; plus strand). Cytogenetic location: 6p21.2.
Variant type: single nucleotide variant.
Coding change: c.7384G>A on transcript NM_001206927.2 (MANE Select); coding-DNA position 7384, G replaced by A.
Protein change: p.Val2462Ile; replaces valine 2462 with isoleucine.
Molecular consequence: missense variant.
Genome position (GRCh38, 1-based): chr6:38,873,052, G>A. VCF-style: chr6-38873052-G-A. GRCh37 (hg19) VCF-style: chr6-38840828-G-A.
Other names: c.6733G>A, p.Val2245Ile (NM_001371.4); short protein forms V2462I, V2245I.
Identifiers: ClinVar variation 454592 (VCV000454592.9), dbSNP rs201809379, ClinGen allele CA3789909.